The following is an entry in ClinVar:

ClinVar aggregate classification (germline): Likely pathogenic. Review status: reviewed by expert panel (3 of 4 stars). 5 submissions from 5 submitters: Likely pathogenic (1). 4 of the submissions do not count toward it. Last evaluated 2022-12-15.

Conditions:
Very long chain acyl-CoA dehydrogenase deficiency (ACADVLD). Also called: Very Long-Chain Acyl-Coenzyme A Dehydrogenase Deficiency; VLCAD Deficiency. Identifiers: Orphanet 26793, MedGen C3887523, MONDO:0008723, OMIM 201475.

Submissions (5):

ClinGen ACADVL Variant Curation Expert Panel, ClinGen
Classification: Likely pathogenic for Very long chain acyl-CoA dehydrogenase deficiency. Last evaluated: 2022-12-15. Review status: reviewed by expert panel. Criteria: clingen acadvl acmg specifications v1. Collection method: curation. Allele origin: germline. Inheritance: Autosomal recessive inheritance.
Comment: The c.1684_1685del (p.Gln562fs) variant in ACADVL is a frameshift predicted to cause a premature stop codon in biologically relevant exon 18/20 leading to nonsense mediated decay in a gene in which loss-of-function is an established disease mechanism (PVS1: PMIDs 9973285, 11590124). This variant is absent from gnomAD v2.1.1 (PM2_Supporting). This variant has been reported once as a result of a positive newborn screening for VLCADD (PMID:26385305). The ACADVL Variant Curation Expert Panel VCEP classified the variant as likely pathogenic based on PVS1+PM2_supporting.

Women's Health and Genetics/Laboratory Corporation of America, LabCorp
Classification: Pathogenic for Very long chain acyl-CoA dehydrogenase deficiency. Last evaluated: 2024-05-24. Review status: criteria provided, single submitter. Criteria: LabCorp Variant Classification Summary - May 2015. Collection method: clinical testing. Allele origin: germline. Not counted in ClinVar's aggregate classification.
Comment: Variant summary: ACADVL c.1684_1685delCA (p.Gln562ValfsX29) results in a premature termination codon, predicted to cause a truncation of the encoded protein or absence of the protein due to nonsense mediated decay, which are commonly known mechanisms for disease. The variant was absent in 169968 control chromosomes. c.1684_1685delCA has been reported in the literature in at least one compound heterozygous individual affected with Very Long Chain Acyl-CoA Dehydrogenase Deficiency (e.g. Li_2020). This suggests the variant is likely to be associated with disease. To our knowledge, no experimental evidence demonstrating an impact on protein function has been reported. The following publication has been ascertained in the context of this evaluation (PMID: 31794763). ClinVar contains an entry for this variant (Variation ID: 932833). Based on the evidence outlined above, the variant was classified as pathogenic.

Fulgent Genetics
Classification: Likely pathogenic for Very long chain acyl-CoA dehydrogenase deficiency. Last evaluated: 2024-04-15. Review status: criteria provided, single submitter. Criteria: ACMG Guidelines, 2015. Collection method: clinical testing. Allele origin: germline. Not counted in ClinVar's aggregate classification.

Labcorp Genetics (formerly Invitae), Labcorp
Classification: Pathogenic for Very long chain acyl-CoA dehydrogenase deficiency. Last evaluated: 2023-10-17. Review status: criteria provided, single submitter. Criteria: Invitae Variant Classification Sherloc (09022015). Collection method: clinical testing. Allele origin: germline. Not counted in ClinVar's aggregate classification.
Comment: This sequence change creates a premature translational stop signal (p.Gln562Valfs*29) in the ACADVL gene. It is expected to result in an absent or disrupted protein product. Loss-of-function variants in ACADVL are known to be pathogenic (PMID: 9973285, 11590124). This variant is not present in population databases (gnomAD no frequency). This premature translational stop signal has been observed in individual(s) with a newborn screening test positive for very long chain acyl-coA dehydrogenase deficiency (PMID: 26385305). ClinVar contains an entry for this variant (Variation ID: 932833). Algorithms developed to predict the effect of sequence changes on RNA splicing suggest that this variant may disrupt the consensus splice site. For these reasons, this variant has been classified as Pathogenic.

Wong Mito Lab, Molecular and Human Genetics, Baylor College of Medicine
Classification: Pathogenic for Very long chain acyl-CoA dehydrogenase deficiency. Last evaluated: 2019-11-01. Review status: criteria provided, single submitter. Criteria: ACMG Guidelines, 2015. Collection method: clinical testing. Allele origin: germline. Not counted in ClinVar's aggregate classification.
Comment: The NM_000018.3:c.1684_1685delCA (NP_000009.1:p.Gln562ValfsTer29) [GRCH38: NC_000017.11:g.7224647_7224648del] variant in ACADVL gene is interpretated to be Pathogenic based on ACMG guidelines (PMID: 25741868). This variant has been reported. This variant meets the following evidence codes reported in the ACMG guidelines: PVS1, PS3

Literature cited by the submitters: PubMed 31794763 (cited by Women's Health and Genetics/Laboratory Corporation of America, LabCorp); PubMed 9973285 (cited by Labcorp Genetics (formerly Invitae), Labcorp); PubMed 11590124 (cited by Labcorp Genetics (formerly Invitae), Labcorp); PubMed 26385305 (cited by Labcorp Genetics (formerly Invitae), Labcorp).

NM_000018.4(ACADVL):c.1684_1685del (p.Gln562fs)

Gene: ACADVL (acyl-CoA dehydrogenase very long chain; plus strand). Cytogenetic location: 17p13.1.
Variant type: Deletion.
Coding change: c.1684_1685del on transcript NM_000018.4 (MANE Select); coding-DNA positions 1684 to 1685, 2 bases deleted (CA; older notation c.1684_1685delCA).
Protein change: p.Gln562fs; shifts the reading frame from glutamine 562.
Molecular consequence: frameshift variant.
Genome position (GRCh38, 1-based): chr17:7,224,647-7,224,648, CA deleted; deleting any 2 consecutive bases within chr17:7,224,646-7,224,648 gives the same sequence; the c. name uses the placement nearest the transcript's 3' end. VCF-style (leftmost placement, unchanged base first): chr17-7224645-AAC-A. GRCh37 (hg19) VCF-style: chr17-7127964-AAC-A.
Other names: NM_000018.4(ACADVL):c.1684_1685del; p.Gln562fs; c.1618_1619del, p.Gln540fs (NM_001033859.3); c.1753_1754del, p.Gln585fs (NM_001270447.2); c.1456_1457del, p.Gln486fs (NM_001270448.2); c.1684_1685delCA (NM_000018.4); short protein forms Q562fs, Q486fs, Q540fs, Q585fs.
Identifiers: ClinVar variation 932833 (VCV000932833.14), dbSNP rs2071393587, ClinGen allele CA1139665157.
Genomic context (GRCh38, chr17:7,224,645, plus strand): 5'-TTTCCTCTCCTTGAGACTAATGCCCCCACCCCCACCCCCACCCCACCTACCGGACAGATG[AAC>A]AGTTTCTGCTGCAGCGGCTGGCAGACGGGGCCATCGACCTCTATGCCATGGTGGTGGTTC-3'